The following is an entry in ClinVar:

ClinVar aggregate classification (germline): Uncertain significance. Review status: criteria provided, multiple submitters, no conflicts (2 of 4 stars). 2 submissions from 2 submitters: Uncertain significance (2). Last evaluated 2023-12-05.

Conditions:
Hereditary cancer-predisposing syndrome. Also called: Tumor predisposition; Neoplastic Syndromes, Hereditary; Hereditary neoplastic syndrome; Hereditary Cancer Syndrome. Identifiers: Orphanet 140162, MedGen C0027672, MeSH D009386, MONDO:0015356.
Familial adenomatous polyposis 1 (FAP1). Also called: POLYPOSIS, ADENOMATOUS INTESTINAL; FAMILIAL ADENOMATOUS POLYPOSIS 1, ATTENUATED. Identifiers: MedGen C2713442, MONDO:0021056, OMIM 175100. Disease mechanism: loss of function.

Submissions (2):

Color Diagnostics, LLC DBA Color Health
Classification: Uncertain significance for Hereditary cancer-predisposing syndrome. Last evaluated: 2023-12-05. Review status: criteria provided, single submitter. Criteria: ACMG Guidelines, 2015. Collection method: clinical testing. Allele origin: germline.
Comment: This missense variant replaces threonine with proline at codon 1074 of the APC protein. Computational prediction suggests that this variant may not impact protein structure and function (internally defined REVEL score threshold <= 0.5, PMID: 27666373). To our knowledge, functional studies have not been reported for this variant. This variant has not been reported in individuals affected with APC-related disorders in the literature. This variant has not been identified in the general population by the Genome Aggregation Database (gnomAD). The available evidence is insufficient to determine the role of this variant in disease conclusively. Therefore, this variant is classified as a Variant of Uncertain Significance.

Labcorp Genetics (formerly Invitae), Labcorp
Classification: Uncertain significance for Familial adenomatous polyposis 1. Last evaluated: 2021-11-22. Review status: criteria provided, single submitter. Criteria: Invitae Variant Classification Sherloc (09022015). Collection method: clinical testing. Allele origin: germline.
Comment: This sequence change replaces threonine, which is neutral and polar, with proline, which is neutral and non-polar, at codon 1074 of the APC protein (p.Thr1074Pro). This variant is not present in population databases (gnomAD no frequency). This variant has not been reported in the literature in individuals affected with APC-related conditions. ClinVar contains an entry for this variant (Variation ID: 631269). Algorithms developed to predict the effect of missense changes on protein structure and function output the following: SIFT: "Tolerated"; PolyPhen-2: "Benign"; Align-GVGD: "Class C0". The proline amino acid residue is found in multiple mammalian species, which suggests that this missense change does not adversely affect protein function. In summary, the available evidence is currently insufficient to determine the role of this variant in disease. Therefore, it has been classified as a Variant of Uncertain Significance.

NM_000038.6(APC):c.3220A>C (p.Thr1074Pro)

Gene: APC (APC regulator of Wnt signaling pathway; plus strand). Cytogenetic location: 5q22.2.
Variant type: single nucleotide variant.
Coding change: c.3220A>C on transcript NM_000038.6 (MANE Select); coding-DNA position 3220, A replaced by C.
Protein change: p.Thr1074Pro; replaces threonine 1074 with proline.
Molecular consequence: missense variant.
Genome position (GRCh38, 1-based): chr5:112,838,814, A>C. VCF-style: chr5-112838814-A-C. GRCh37 (hg19) VCF-style: chr5-112174511-A-C.
Other names: c.3220A>C, p.Thr1074Pro (NM_001127510.3, NM_001354895.2); c.3166A>C, p.Thr1056Pro (NM_001127511.3); c.3274A>C, p.Thr1092Pro (NM_001354896.2); c.3250A>C, p.Thr1084Pro (NM_001354897.2); c.3145A>C, p.Thr1049Pro (NM_001354898.2); c.3136A>C, p.Thr1046Pro (NM_001354899.2); c.3097A>C, p.Thr1033Pro (NM_001354900.2); c.3043A>C, p.Thr1015Pro (NM_001354901.2); and 5 more; short protein forms T1056P, T1074P, T1033P, T1046P, T1015P, T1049P, T1084P, T1092P.
Identifiers: ClinVar variation 631269 (VCV000631269.11), dbSNP rs962456431, ClinGen allele CA16028396.